The following is an entry in ClinVar:

ClinVar aggregate classification (germline): Uncertain significance. Review status: criteria provided, multiple submitters, no conflicts (2 of 4 stars). 4 submissions from 4 submitters: Uncertain significance (3). 1 of the submissions does not count toward it. Last evaluated 2021-08-27.

Conditions:
Walker-Warburg congenital muscular dystrophy. Also called: Muscular dystrophy-dystroglycanopathy, type A; Walker-Warburg syndrome. Identifiers: Orphanet 899, MedGen C0265221, MONDO:0000171.
Cardiovascular phenotype. Identifiers: MedGen CN230736.
Autosomal recessive limb-girdle muscular dystrophy type 2I. Also called: MUSCULAR DYSTROPHY, LIMB-GIRDLE, TYPE 2I; MUSCULAR DYSTROPHY-DYSTROGLYCANOPATHY, LIMB-GIRDLE, FRKP-RELATED; MUSCULAR DYSTROPHY-DYSTROGLYCANOPATHY (LIMB-GIRDLE), TYPE C, 5. Identifiers: Orphanet 34515, MedGen C1846672, MONDO:0011787, OMIM 607155.

Allele frequency attached by ClinVar (database versions not stated): gnomAD exomes below 0.00001 and 0.00001; ExAC 0.00001.
gnomAD v4.1: 9 of 1,609,634 alleles (0.00056%); highest among the groups gnomAD compares: Admixed American, 0.0017%; no homozygotes.

Submissions (4):

Labcorp Genetics (formerly Invitae), Labcorp
Classification: Uncertain significance for Walker-Warburg congenital muscular dystrophy. Last evaluated: 2021-08-27. Review status: criteria provided, single submitter. Criteria: Invitae Variant Classification Sherloc (09022015). Collection method: clinical testing. Allele origin: germline.
Comment: This sequence change replaces alanine with threonine at codon 13 of the FKRP protein (p.Ala13Thr). The alanine residue is moderately conserved and there is a small physicochemical difference between alanine and threonine. This variant is present in population databases (rs768376273, ExAC 0.01%). This variant has not been reported in the literature in individuals affected with FKRP-related conditions. Algorithms developed to predict the effect of missense changes on protein structure and function are either unavailable or do not agree on the potential impact of this missense change (SIFT: "Tolerated"; PolyPhen-2: "Probably Damaging"; Align-GVGD: "Class C0"). In summary, the available evidence is currently insufficient to determine the role of this variant in disease. Therefore, it has been classified as a Variant of Uncertain Significance.

Ambry Genetics
Classification: Uncertain significance for Cardiovascular phenotype. Last evaluated: 2019-08-29. Review status: criteria provided, single submitter. Criteria: Ambry Variant Classification Scheme 2023. Collection method: clinical testing. Allele origin: germline.
Comment: The p.A13T variant (also known as c.37G>A), located in coding exon 1 of the FKRP gene, results from a G to A substitution at nucleotide position 37. The alanine at codon 13 is replaced by threonine, an amino acid with similar properties. An alternate amino acid substitution at this codon, p.A13S (c.37G>T) has been reported in an individual with myopathy, who also had an additional FKRP variant detected; however, clinical details were limited (Dai Y et al. Neuromuscul. Disord., 2015 Aug;25:617-24). This amino acid position is highly conserved in available vertebrate species. In addition, the in silico prediction for this alteration is inconclusive. Since supporting evidence is limited at this time, the clinical significance of this alteration remains unclear.

Stanford Center for Inherited Cardiovascular Disease, Stanford University
Classification: Uncertain significance. Last evaluated: 2017-05-02. Review status: criteria provided, single submitter. Criteria: ACMG Guidelines, 2015. Collection method: provider interpretation. Allele origin: germline.

Natera, Inc.
Classification: Uncertain significance for Limb-girdle muscular dystrophy type 2I. Last evaluated: 2020-09-16. Review status: no assertion criteria provided. Collection method: clinical testing. Allele origin: germline. Not counted in ClinVar's aggregate classification.

Literature cited by the submitters: PubMed 25987458 (cited by Ambry Genetics).

NM_024301.5(FKRP):c.37G>A (p.Ala13Thr)

Gene: FKRP (fukutin related protein; plus strand). Cytogenetic location: 19q13.32.
Variant type: single nucleotide variant.
Coding change: c.37G>A on transcript NM_024301.5 (MANE Select); coding-DNA position 37, G replaced by A.
Protein change: p.Ala13Thr; replaces alanine 13 with threonine.
Molecular consequence: missense variant.
Genome position (GRCh38, 1-based): chr19:46,755,487, G>A. VCF-style: chr19-46755487-G-A. GRCh37 (hg19) VCF-style: chr19-47258744-G-A.
Other names: c.37G>A, p.Ala13Thr (NM_001039885.3); short protein forms A13T.
Identifiers: ClinVar variation 459234 (VCV000459234.12), dbSNP rs768376273, ClinGen allele CA9532098.